The following is an entry in ClinVar:

NM_002529.4(NTRK1):c.422A>G (p.Gln141Arg)

Gene: NTRK1 (neurotrophic receptor tyrosine kinase 1; plus strand). Cytogenetic location: 1q23.1.
Variant type: single nucleotide variant.
Coding change: c.422A>G on transcript NM_002529.4 (MANE Select); coding-DNA position 422, A replaced by G.
Protein change: p.Gln141Arg; replaces glutamine 141 with arginine.
Molecular consequence: missense variant.
Genome position (GRCh38, 1-based): chr1:156,866,972, A>G. VCF-style: chr1-156866972-A-G. GRCh37 (hg19) VCF-style: chr1-156836764-A-G.
Other names: c.422A>G, p.Gln141Arg (NM_001007204.1, NM_001012331.2); c.332A>G, p.Gln111Arg (NM_001007792.1); short protein forms Q111R, Q141R.
Identifiers: ClinVar variation 3234829 (VCV003234829.20), dbSNP rs1306924167, ClinGen allele CA342933325.

ClinVar aggregate classification (germline): Uncertain significance (1 of 4 stars; one submission).

Allele frequency attached by ClinVar (database versions not stated): gnomAD exomes below 0.00001; TOPMed below 0.00001.
gnomAD v4.1: 2 of 1,614,238 alleles (0.00012%); highest among the groups gnomAD compares: Non-Finnish European, 0.00017%; no homozygotes.

Submission:

CeGaT Center for Human Genetics Tuebingen
Classification: Uncertain significance. Last evaluated: 2024-05-01. Review status: criteria provided, single submitter. Criteria: CeGaT Center For Human Genetics Tuebingen Variant Classification Criteria Version 2. Collection method: clinical testing. Allele origin: germline. Affected: yes. Observed: 1 variant allele.
Comment: NTRK1: PM2